The following is an entry in ClinVar:

NM_020975.6(RET):c.1112A>G (p.Gln371Arg)

Gene: RET (ret proto-oncogene; plus strand). Cytogenetic location: 10q11.21.
Variant type: single nucleotide variant.
Coding change: c.1112A>G on transcript NM_020975.6 (MANE Select); coding-DNA position 1112, A replaced by G.
Protein change: p.Gln371Arg; replaces glutamine 371 with arginine.
Molecular consequence: missense variant. On other transcripts: intron variant (18).
Genome position (GRCh38, 1-based): chr10:43,109,079, A>G. VCF-style: chr10-43109079-A-G. GRCh37 (hg19) VCF-style: chr10-43604527-A-G.
Other names: c.1112A>G, p.Gln371Arg (NM_000323.2, NM_001406743.1, NM_001406744.1 and 6 more transcripts); c.350A>G, p.Gln117Arg (NM_001355216.2); c.983A>G, p.Gln328Arg (NM_001406761.1, NM_001406762.1, NM_001406764.1 and 1 more transcripts); c.824A>G, p.Gln275Arg (NM_001406766.1, NM_001406767.1, NM_001406770.1); c.674A>G, p.Gln225Arg (NM_001406771.1, NM_001406773.1); c.386A>G, p.Gln129Arg (NM_001406775.1, NM_001406776.1, NM_001406777.1 and 1 more transcripts); c.122A>G, p.Gln41Arg (NM_001406784.1); c.868-2128A>G (NM_001406772.1, NM_001406769.1); and 5 more; short protein forms Q117R, Q129R, Q225R, Q275R, Q328R, Q371R, Q41R.
Identifiers: ClinVar variation 3070013 (VCV003070013.1), dbSNP rs2538423859, ClinGen allele CA376547356.

ClinVar aggregate classification (germline): Uncertain significance (1 of 4 stars; one submission).

Conditions:
Multiple endocrine neoplasia, type 2 (MEN2). Identifiers: Orphanet 653, MedGen C4048306, MONDO:0019003. Disease mechanism: gain of function.

Submission:

All of Us Research Program, National Institutes of Health
Classification: Uncertain significance for Multiple endocrine neoplasia, type 2. Last evaluated: 2023-03-28. Review status: criteria provided, single submitter. Criteria: ACMG Guidelines, 2015. Collection method: clinical testing. Allele origin: germline. Inheritance: Autosomal dominant inheritance. Observed: 1 variant allele, 1 heterozygote.
Comment: This study involves interpretation of variants in research participants for the purpose of population health screening. Participant phenotype was not available at the time of variant classification. Additional details can be found in publication PMID: 35346344, PMCID: PMC8962531